The following is an entry in ClinVar:

NM_005751.5(AKAP9):c.4800A>T (p.Glu1600Asp)

Gene: AKAP9 (A-kinase anchoring protein 9; plus strand). Cytogenetic location: 7q21.2.
Variant type: single nucleotide variant.
Coding change: c.4800A>T on transcript NM_005751.5 (MANE Select); coding-DNA position 4800, A replaced by T.
Protein change: p.Glu1600Asp; replaces glutamic acid 1600 with aspartic acid.
Molecular consequence: missense variant.
Genome position (GRCh38, 1-based): chr7:92,040,781, A>T. VCF-style: chr7-92040781-A-T. GRCh37 (hg19) VCF-style: chr7-91670095-A-T.
Other names: c.4800A>T, p.Glu1600Asp (NM_147185.3); short protein forms E1600D.
Identifiers: ClinVar variation 1413659 (VCV001413659.8), dbSNP rs138765069, ClinGen allele CA368129603.

ClinVar aggregate classification (germline): Uncertain significance (1 of 4 stars; one submission).

Conditions:
Long QT syndrome (LQTS). Identifiers: MedGen C0023976, MeSH D008133, MONDO:0002442. Disease mechanism: loss of function. Inheritance: Various modes of inheritance.

Submission:

Labcorp Genetics (formerly Invitae), Labcorp
Classification: Uncertain significance for Long QT syndrome. Last evaluated: 2021-04-30. Review status: criteria provided, single submitter. Criteria: Invitae Variant Classification Sherloc (09022015). Collection method: clinical testing. Allele origin: germline.
Comment: This sequence change replaces glutamic acid with aspartic acid at codon 1600 of the AKAP9 protein (p.Glu1600Asp). The glutamic acid residue is moderately conserved and there is a small physicochemical difference between glutamic acid and aspartic acid. This variant is not present in population databases (ExAC no frequency). This variant has not been reported in the literature in individuals with AKAP9-related conditions. Algorithms developed to predict the effect of missense changes on protein structure and function are either unavailable or do not agree on the potential impact of this missense change (SIFT: "Tolerated"; PolyPhen-2: "Probably Damaging"; Align-GVGD: "Class C0"). In summary, the available evidence is currently insufficient to determine the role of this variant in disease. Therefore, it has been classified as a Variant of Uncertain Significance.